The following is an entry in ClinVar:

NM_153460.4(IL17RC):c.452T>A (p.Phe151Tyr)

Gene: IL17RC (interleukin 17 receptor C; plus strand). Cytogenetic location: 3p25.3.
Variant type: single nucleotide variant.
Coding change: c.452T>A on transcript NM_153460.4 (MANE Select); coding-DNA position 452, T replaced by A.
Protein change: p.Phe151Tyr; replaces phenylalanine 151 with tyrosine.
Molecular consequence: missense variant. On other transcripts: non-coding transcript variant (1).
Genome position (GRCh38, 1-based): chr3:9,918,596, T>A. VCF-style: chr3-9918596-T-A. GRCh37 (hg19) VCF-style: chr3-9960280-T-A.
Other names: c.452T>A, p.Phe151Tyr (NM_001203263.2, NM_001203264.2, NM_001203265.2 and 4 more transcripts); c.377T>A, p.Phe126Tyr (NM_001367279.1); c.665T>A, p.Phe222Tyr (NM_153461.4); short protein forms F151Y, F222Y, F126Y.
Identifiers: ClinVar variation 1999913 (VCV001999913.4), dbSNP rs2470105499, ClinGen allele CA351756118.

ClinVar aggregate classification (germline): Uncertain significance (1 of 4 stars; one submission).

Conditions:
Candidiasis, familial, 9 (CANDF9). Identifiers: Orphanet 1334, MedGen C4225324, MONDO:0014642, OMIM 616445.

Submission:

Labcorp Genetics (formerly Invitae), Labcorp
Classification: Uncertain significance for Candidiasis, familial, 9. Last evaluated: 2022-07-15. Review status: criteria provided, single submitter. Criteria: Invitae Variant Classification Sherloc (09022015). Collection method: clinical testing. Allele origin: germline.
Comment: This variant has not been reported in the literature in individuals affected with IL17RC-related conditions. This variant is not present in population databases (gnomAD no frequency). This sequence change replaces phenylalanine, which is neutral and non-polar, with tyrosine, which is neutral and polar, at codon 222 of the IL17RC protein (p.Phe222Tyr). In summary, the available evidence is currently insufficient to determine the role of this variant in disease. Therefore, it has been classified as a Variant of Uncertain Significance. Algorithms developed to predict the effect of sequence changes on RNA splicing suggest that this variant may create or strengthen a splice site. Algorithms developed to predict the effect of missense changes on protein structure and function (SIFT, PolyPhen-2, Align-GVGD) all suggest that this variant is likely to be tolerated.